The following is an entry in ClinVar:

NM_000493.4(COL10A1):c.1116C>G (p.Tyr372Ter)

Genes: NT5DC1 (5'-nucleotidase domain containing 1; plus strand), COL10A1 (collagen type X alpha 1 chain; minus strand). Cytogenetic location: 6q22.1.
Variant type: single nucleotide variant.
Coding change: c.1116C>G on transcript NM_000493.4 (MANE Select); coding-DNA position 1116, C replaced by G.
Protein change: p.Tyr372Ter; replaces tyrosine 372 with a stop codon.
Molecular consequence: nonsense. On other transcripts: intron variant (1).
Genome position (GRCh38, 1-based): chr6:116,121,000, G>C on the plus strand (C>G on the coding strand, the complement: COL10A1 is on the minus strand). VCF-style: chr6-116121000-G-C. GRCh37 (hg19) VCF-style: chr6-116442163-G-C.
Other names: c.1116C>G, p.Tyr372Ter (NM_001424106.1, NM_001424107.1); c.529+3055G>C (NM_152729.3); short protein forms Y372*.
Identifiers: ClinVar variation 1997206 (VCV001997206.1), dbSNP rs2534088202, ClinGen allele CA365389287.

ClinVar aggregate classification (germline): Uncertain significance (1 of 4 stars; one submission).

Submission:

Labcorp Genetics (formerly Invitae), Labcorp
Classification: Uncertain significance. Last evaluated: 2022-06-01. Review status: criteria provided, single submitter. Criteria: Invitae Variant Classification Sherloc (09022015). Collection method: clinical testing. Allele origin: germline.
Comment: This sequence change creates a premature translational stop signal (p.Tyr372*) in the COL10A1 gene. While this is not anticipated to result in nonsense mediated decay, it is expected to disrupt the last 309 amino acid(s) of the COL10A1 protein. This variant is not present in population databases (gnomAD no frequency). This variant has not been reported in the literature in individuals affected with COL10A1-related conditions. Experimental studies and prediction algorithms are not available or were not evaluated, and the functional significance of this variant is currently unknown. In summary, the available evidence is currently insufficient to determine the role of this variant in disease. Therefore, it has been classified as a Variant of Uncertain Significance.